The following is an entry in ClinVar:

NM_014845.6(FIG4):c.1271+1G>A

Gene: FIG4 (FIG4 phosphoinositide 5-phosphatase; plus strand). Cytogenetic location: 6q21.
Variant type: single nucleotide variant.
Coding change: c.1271+1G>A on transcript NM_014845.6 (MANE Select); the canonical splice donor site of the intron after coding-DNA position 1271, G replaced by A.
Molecular consequence: splice donor variant.
Genome position (GRCh38, 1-based): chr6:109,760,384, G>A. VCF-style: chr6-109760384-G-A. GRCh37 (hg19) VCF-style: chr6-110081587-G-A.
Identifiers: ClinVar variation 2018870 (VCV002018870.4), dbSNP rs2486171827, ClinGen allele CA365225636.

ClinVar aggregate classification (germline): Likely pathogenic (1 of 4 stars; one submission).

Conditions:
Charcot-Marie-Tooth disease type 4. Also called: Charcot-Marie-Tooth, Type 4; Charcot-Marie-Tooth disease, type IV. Identifiers: Orphanet 64749, MedGen C4082197, MONDO:0018995.

Allele frequency attached by ClinVar (database versions not stated): gnomAD exomes below 0.00001.
gnomAD v4.1: 1 of 1,612,042 alleles (0.000062%); highest among the groups gnomAD compares: South Asian, 0.0011%; no homozygotes.

Submission:

Labcorp Genetics (formerly Invitae), Labcorp
Classification: Likely pathogenic for Charcot-Marie-Tooth disease type 4. Last evaluated: 2022-07-22. Review status: criteria provided, single submitter. Criteria: Invitae Variant Classification Sherloc (09022015). Collection method: clinical testing. Allele origin: germline.
Comment: In summary, the currently available evidence indicates that the variant is pathogenic, but additional data are needed to prove that conclusively. Therefore, this variant has been classified as Likely Pathogenic. Algorithms developed to predict the effect of sequence changes on RNA splicing suggest that this variant may disrupt the consensus splice site. This variant has not been reported in the literature in individuals affected with FIG4-related conditions. This variant is not present in population databases (gnomAD no frequency). This sequence change affects a donor splice site in intron 11 of the FIG4 gene. It is expected to disrupt RNA splicing. Variants that disrupt the donor or acceptor splice site typically lead to a loss of protein function (PMID: 16199547), and loss-of-function variants in FIG4 are known to be pathogenic (PMID: 23623387).

Literature cited by the submitters: PubMed 16199547; PubMed 23623387.